The following is an entry in ClinVar:

NM_003640.5(ELP1):c.2737-179C>T

Gene: ELP1 (elongator acetyltransferase complex subunit 1; minus strand). Cytogenetic location: 9q31.3.
Variant type: single nucleotide variant.
Coding change: c.2737-179C>T on transcript NM_003640.5 (MANE Select); 179 bases into the intron before coding-DNA position 2737, C replaced by T.
Molecular consequence: intron variant.
Genome position (GRCh38, 1-based): chr9:108,894,245, G>A on the plus strand (C>T on the coding strand, the complement: ELP1 is on the minus strand). VCF-style: chr9-108894245-G-A. GRCh37 (hg19) VCF-style: chr9-111656525-G-A.
Other names: c.2395-179C>T (NM_001318360.2); c.1690-179C>T (NM_001330749.2).
Identifiers: ClinVar variation 681887 (VCV000681887.1), dbSNP rs11793522, ClinGen allele CA15590075.

ClinVar aggregate classification (germline): Benign (1 of 4 stars; one submission).

Allele frequency attached by ClinVar (database versions not stated): 1000 Genomes Project 30x 0.30996; 1000 Genomes Project 0.31589; TOPMed 0.34095; gnomAD 0.34372 and 0.34688.
gnomAD v4.1: 52,835 of 151,964 alleles (35%); highest among the groups gnomAD compares: Non-Finnish European, 45%; 10,917 homozygotes.

Submission:

GeneDx
Classification: Benign. Last evaluated: 2018-06-14. Review status: criteria provided, single submitter. Criteria: GeneDx Variant Classification (06012015). Collection method: clinical testing. Allele origin: germline. Affected: yes.
Comment: This variant is considered likely benign or benign based on one or more of the following criteria: it is a conservative change, it occurs at a poorly conserved position in the protein, it is predicted to be benign by multiple in silico algorithms, and/or has population frequency not consistent with disease.